The following is an entry in ClinVar:

ClinVar aggregate classification (germline): Uncertain significance (0 of 4 stars; one submission).

Conditions:
NRAS-related disorder. Also called: NRAS-related condition.

Submission:

PreventionGenetics, part of Exact Sciences
Classification: Uncertain significance for NRAS-related condition. Last evaluated: 2024-05-28. Review status: no assertion criteria provided. Collection method: clinical testing. Allele origin: germline.
Comment: The NRAS c.411C>G variant is predicted to result in premature protein termination (p.Tyr137*). To our knowledge, this variant has not been reported in the literature or in a large population database, indicating this variant is rare. Currently loss-of-function of NRAS is not an established mechanism of disease. At this time, the clinical significance of this variant is uncertain due to the absence of conclusive functional and genetic evidence.

NM_002524.5(NRAS):c.411C>G (p.Tyr137Ter)

Gene: NRAS (NRAS proto-oncogene, GTPase; minus strand). Cytogenetic location: 1p13.2.
Variant type: single nucleotide variant.
Coding change: c.411C>G on transcript NM_002524.5 (MANE Select); coding-DNA position 411, C replaced by G.
Protein change: p.Tyr137Ter; replaces tyrosine 137 with a stop codon.
Molecular consequence: nonsense.
Genome position (GRCh38, 1-based): chr1:114,709,608, G>C on the plus strand (C>G on the coding strand, the complement: NRAS is on the minus strand). VCF-style: chr1-114709608-G-C. GRCh37 (hg19) VCF-style: chr1-115252229-G-C.
Other names: short protein forms Y137*.
Identifiers: ClinVar variation 3346291 (VCV003346291.1).